The following is an entry in ClinVar:

ClinVar aggregate classification (germline): Uncertain significance (1 of 4 stars; one submission).

Conditions:
Cardiovascular phenotype. Identifiers: MedGen CN230736.

Submission:

Ambry Genetics
Classification: Uncertain significance for Cardiovascular phenotype. Last evaluated: 2024-07-28. Review status: criteria provided, single submitter. Criteria: Ambry Variant Classification Scheme 2023. Collection method: clinical testing. Allele origin: germline.
Comment: The p.I498V variant (also known as c.1492A>G), located in coding exon 11 of the ABCA1 gene, results from an A to G substitution at nucleotide position 1492. The isoleucine at codon 498 is replaced by valine, an amino acid with highly similar properties. This amino acid position is conserved. In addition, this alteration is predicted to be tolerated by in silico analysis. Since supporting evidence is limited at this time, the clinical significance of this alteration remains unclear.

NM_005502.4(ABCA1):c.1492A>G (p.Ile498Val)

Gene: ABCA1 (ATP binding cassette subfamily A member 1; minus strand). Cytogenetic location: 9q31.1.
Variant type: single nucleotide variant.
Coding change: c.1492A>G on transcript NM_005502.4 (MANE Select); coding-DNA position 1492, A replaced by G.
Protein change: p.Ile498Val; replaces isoleucine 498 with valine.
Molecular consequence: missense variant.
Genome position (GRCh38, 1-based): chr9:104,832,591, T>C on the plus strand (A>G on the coding strand, the complement: ABCA1 is on the minus strand). VCF-style: chr9-104832591-T-C. GRCh37 (hg19) VCF-style: chr9-107594872-T-C.
Other names: short protein forms I498V.
Identifiers: ClinVar variation 1773808 (VCV001773808.3), dbSNP rs2538182720, ClinGen allele CA374325376.